The following is an entry in ClinVar:

ClinVar aggregate classification (germline): Likely benign (1 of 4 stars; one submission).

gnomAD v4.1: 1 of 1,612,412 alleles (0.000062%); highest among the groups gnomAD compares: South Asian, 0.0011%; no homozygotes.

Submission:

CeGaT Center for Human Genetics Tuebingen
Classification: Likely benign. Last evaluated: 2026-02-01. Review status: criteria provided, single submitter. Criteria: CeGaT Center For Human Genetics Tuebingen Variant Classification Criteria Version 2. Collection method: clinical testing. Allele origin: germline. Affected: yes. Observed: 1 variant allele.
Comment: CTBP1: BP4, BP7

NM_001012614.2(CTBP1):c.162+24G>T

Gene: CTBP1 (C-terminal binding protein 1; minus strand). Cytogenetic location: 4p16.3.
Variant type: single nucleotide variant.
Coding change: c.162+24G>T on transcript NM_001012614.2 (MANE Select); 24 bases into the intron after coding-DNA position 162, G replaced by T.
Molecular consequence: intron variant.
Genome position (GRCh38, 1-based): chr4:1,238,159, C>A on the plus strand (G>T on the coding strand, the complement: CTBP1 is on the minus strand). VCF-style: chr4-1238159-C-A. GRCh37 (hg19) VCF-style: chr4-1231947-C-A.
Other names: c.162+24G>T (NM_001377192.1, NM_001377189.1, NM_001377193.1 and 4 more transcripts); c.195+24G>T (NM_001328.3, NM_001377186.1).
Identifiers: ClinVar variation 4822464 (VCV004822464.4).